The following is an entry in ClinVar:

ClinVar aggregate classification (germline): Uncertain significance (1 of 4 stars; one submission).

Conditions:
Cutis laxa, autosomal dominant 3 (ADCL3). Identifiers: Orphanet 90348, MedGen C4225268, MONDO:0014706, OMIM 616603.
Autosomal dominant spastic paraplegia type 9. Identifiers: MedGen C1832669, MONDO:0015091.
de Barsy syndrome. Also called: Cutis laxa-corneal clouding-oligophrenia syndrome. Identifiers: Orphanet 2962, MedGen C0268354, MONDO:0017569.

Submission:

Labcorp Genetics (formerly Invitae), Labcorp
Classification: Uncertain significance for Autosomal dominant spastic paraplegia type 9; de Barsy syndrome; Cutis laxa, autosomal dominant 3. Last evaluated: 2024-02-02. Review status: criteria provided, single submitter. Criteria: Invitae Variant Classification Sherloc (09022015). Collection method: clinical testing. Allele origin: germline.
Comment: This sequence change replaces proline, which is neutral and non-polar, with arginine, which is basic and polar, at codon 227 of the ALDH18A1 protein (p.Pro227Arg). This variant is not present in population databases (gnomAD no frequency). This variant has not been reported in the literature in individuals affected with ALDH18A1-related conditions. Advanced modeling of protein sequence and biophysical properties (such as structural, functional, and spatial information, amino acid conservation, physicochemical variation, residue mobility, and thermodynamic stability) has been performed at Invitae for this missense variant, however the output from this modeling did not meet the statistical confidence thresholds required to predict the impact of this variant on ALDH18A1 protein function. In summary, the available evidence is currently insufficient to determine the role of this variant in disease. Therefore, it has been classified as a Variant of Uncertain Significance.

NM_002860.4(ALDH18A1):c.680C>G (p.Pro227Arg)

Gene: ALDH18A1 (aldehyde dehydrogenase 18 family member A1; minus strand). Cytogenetic location: 10q24.1.
Variant type: single nucleotide variant.
Coding change: c.680C>G on transcript NM_002860.4 (MANE Select); coding-DNA position 680, C replaced by G.
Protein change: p.Pro227Arg; replaces proline 227 with arginine.
Molecular consequence: missense variant.
Genome position (GRCh38, 1-based): chr10:95,633,528, G>C on the plus strand (C>G on the coding strand, the complement: ALDH18A1 is on the minus strand). VCF-style: chr10-95633528-G-C. GRCh37 (hg19) VCF-style: chr10-97393285-G-C.
Other names: c.680C>G, p.Pro227Arg (NM_001017423.2, NM_001323413.2, NM_001323414.2 and 1 more transcripts); c.347C>G, p.Pro116Arg (NM_001323412.2, NM_001323416.2, NM_001323418.2); c.575C>G, p.Pro192Arg (NM_001323417.2); c.44C>G, p.Pro15Arg (NM_001323419.2); short protein forms P116R, P15R, P192R, P227R.
Identifiers: ClinVar variation 3761487 (VCV003761487.2).